The following is an entry in ClinVar:

ClinVar aggregate classification (germline): Benign. Review status: criteria provided, multiple submitters, no conflicts (2 of 4 stars). 4 submissions from 4 submitters: Benign (4). Last evaluated 2026-02-01.

Conditions:
Retinal cone dystrophy 4 (RCD4). Identifiers: Orphanet 1872, MedGen C1864849, MONDO:0012507, OMIM 610478.

Allele frequency attached by ClinVar (database versions not stated): ESP Exome Variant Server 0.00047; gnomAD 0.00442 and 0.00462; TOPMed 0.00773; 1000 Genomes Project 0.00899; 1000 Genomes Project 30x 0.00921.
gnomAD v4.1: 3,790 of 1,612,770 alleles (0.23%); highest among the groups gnomAD compares: Admixed American, 5.3%; 113 homozygotes.

Submissions (4):

Labcorp Genetics (formerly Invitae), Labcorp
Classification: Benign. Last evaluated: 2026-02-01. Review status: criteria provided, single submitter. Criteria: Invitae Variant Classification Sherloc (09022015). Collection method: clinical testing. Allele origin: germline.

Illumina Laboratory Services, Illumina
Classification: Benign for Retinal cone dystrophy 4. Last evaluated: 2018-01-13. Review status: criteria provided, single submitter. Criteria: ICSL Variant Classification Criteria 13 December 2019. Collection method: clinical testing. Allele origin: germline.
Comment: This variant was observed in the ICSL laboratory as part of a predisposition screen in an ostensibly healthy population. It had not been previously curated by ICSL or reported in the Human Gene Mutation Database (HGMD: prior to June 1st, 2018), and was therefore a candidate for classification through an automated scoring system. Utilizing variant allele frequency, disease prevalence and penetrance estimates, and inheritance mode, an automated score was calculated to assess if this variant is too frequent to cause the disease. Based on the score and internal cut-off values, a variant classified as benign is not then subjected to further curation. The score for this variant resulted in a classification of benign for this disease.

Eurofins Ntd Llc (ga)
Classification: Benign. Last evaluated: 2014-05-07. Review status: criteria provided, single submitter. Criteria: EGL Classification Definitions 2015. Collection method: clinical testing. Allele origin: germline. Observed: 1 variant allele, 1 heterozygote.

Breakthrough Genomics
Classification: Benign. Review status: criteria provided, single submitter. Criteria: ACMG Guidelines, 2015. Collection method: not provided. Allele origin: germline. Inheritance: Autosomal recessive inheritance. Affected: yes.

NM_172364.5(CACNA2D4):c.2189C>T (p.Ala730Val)

Gene: CACNA2D4 (calcium voltage-gated channel auxiliary subunit alpha2delta 4; minus strand). Cytogenetic location: 12p13.33.
Variant type: single nucleotide variant.
Coding change: c.2189C>T on transcript NM_172364.5 (MANE Select); coding-DNA position 2189, C replaced by T.
Protein change: p.Ala730Val; replaces alanine 730 with valine.
Molecular consequence: missense variant.
Genome position (GRCh38, 1-based): chr12:1,854,008, G>A on the plus strand (C>T on the coding strand, the complement: CACNA2D4 is on the minus strand). VCF-style: chr12-1854008-G-A. GRCh37 (hg19) VCF-style: chr12-1963174-G-A.
Other names: short protein forms A730V.
Identifiers: ClinVar variation 195785 (VCV000195785.19), dbSNP rs181994120, ClinGen allele CA201938.
Genomic context (GRCh38, chr12:1,854,008, plus strand): 5'-TACTCGGACATGTTGAGGGCCAGCGCTGTCCAGTAGGCTTCCATGGGGGCTGTCACCACC[G>A]CGTCAAACAGCACCTCCCGGACCAGCTCCTCGTCACCTGGGTGCAAAACATCAGGGAACC-3'
Protein context (NP_758952.4, residues 720-740): EELVREVLFD[Ala730Val]VVTAPMEAYW